The following is an entry in ClinVar:

NM_025114.4(CEP290):c.6931A>C (p.Asn2311His)

Gene: CEP290 (centrosomal protein 290; minus strand). Cytogenetic location: 12q21.32.
Variant type: single nucleotide variant.
Coding change: c.6931A>C on transcript NM_025114.4 (MANE Select); coding-DNA position 6931, A replaced by C.
Protein change: p.Asn2311His; replaces asparagine 2311 with histidine.
Molecular consequence: missense variant.
Genome position (GRCh38, 1-based): chr12:88,055,605, T>G on the plus strand (A>C on the coding strand, the complement: CEP290 is on the minus strand). VCF-style: chr12-88055605-T-G. GRCh37 (hg19) VCF-style: chr12-88449382-T-G.
Other names: short protein forms N2311H.
Identifiers: ClinVar variation 3348290 (VCV003348290.2).

ClinVar aggregate classification (germline): Uncertain significance. Review status: no assertion criteria provided (0 of 4 stars). 2 submissions from 2 submitters: Uncertain significance (2). Last evaluated 2025-02-17.

Conditions:
Leber congenital amaurosis (LCA). Also called: Leber's amaurosis. Identifiers: Orphanet 65, MedGen C0339527, MeSH D057130, MONDO:0018998.
CEP290-related disorder. Also called: CEP290-related condition; CEP290-related disorders. Identifiers: MedGen CN239314.

gnomAD v4.1: 1 of 1,580,282 alleles (0.000063%); highest among the groups gnomAD compares: Non-Finnish European, 0.000086%; no homozygotes.

Submissions (2):

Natera, Inc.
Classification: Uncertain significance for Leber congenital amaurosis. Last evaluated: 2025-02-17. Review status: no assertion criteria provided. Collection method: clinical testing. Allele origin: germline.

PreventionGenetics, part of Exact Sciences
Classification: Uncertain significance for CEP290-related condition. Last evaluated: 2023-11-28. Review status: no assertion criteria provided. Collection method: clinical testing. Allele origin: germline.
Comment: The CEP290 c.6931A>C variant is predicted to result in the amino acid substitution p.Asn2311His. To our knowledge, this variant has not been reported in the literature or in a large population database, indicating this variant is rare. At this time, the clinical significance of this variant is uncertain due to the absence of conclusive functional and genetic evidence.